The following is an entry in ClinVar:

NM_007294.4(BRCA1):c.1692_1693del (p.Asn564fs)

Gene: BRCA1 (BRCA1 DNA repair associated; minus strand). Cytogenetic location: 17q21.31.
Variant type: Deletion.
Coding change: c.1692_1693del on transcript NM_007294.4 (MANE Select); coding-DNA positions 1692 to 1693, 2 bases deleted (TG; older notation c.1692_1693delTG).
Protein change: p.Asn564fs; shifts the reading frame from asparagine 564.
Molecular consequence: frameshift variant. On other transcripts: intron variant (137).
Genome position (GRCh38, 1-based): chr17:43,093,838-43,093,839, CA deleted on the plus strand (TG on the coding strand, the reverse complement: BRCA1 is on the minus strand). VCF-style (leftmost placement, unchanged base first): chr17-43093837-TCA-T. GRCh37 (hg19) VCF-style: chr17-41245854-TCA-T.
Other names: c.1614_1615del, p.Asn538fs (NM_001407656.1, NM_001407657.1, NM_001407658.1 and 4 more transcripts); c.1611_1612del, p.Asn537fs (NM_001407659.1, NM_001407660.1, NM_001407661.1 and 1 more transcripts); c.1551_1552del, p.Asn517fs (NM_001407942.1, NM_001407944.1, NM_001407945.1 and 29 more transcripts); c.1548_1549del, p.Asn516fs (NM_001407943.1, NM_001407740.1, NM_001407741.1 and 20 more transcripts); c.1359_1360del, p.Asn453fs (NM_001407946.1, NM_001407947.1, NM_001407948.1 and 6 more transcripts); c.1569_1570del, p.Asn523fs (NM_001407674.1, NM_001407675.1, NM_001407676.1 and 19 more transcripts); c.1689_1690del, p.Asn563fs (NM_001407861.1, NM_001407610.1, NM_001407611.1 and 22 more transcripts); c.1491_1492del, p.Asn497fs (NM_001407862.1); and 40 more; short protein forms N396fs, N437fs, N476fs, N494fs, N496fs, N516fs, N453fs, N517fs.
Identifiers: ClinVar variation 4824197 (VCV004824197.1).

ClinVar aggregate classification (germline): Pathogenic (1 of 4 stars; one submission).

Conditions:
Hereditary cancer-predisposing syndrome. Also called: Neoplastic Syndromes, Hereditary; Hereditary neoplastic syndrome; Tumor predisposition; Hereditary Cancer Syndrome. Identifiers: Orphanet 140162, MedGen C0027672, MeSH D009386, MONDO:0015356.

Submission:

Ambry Genetics
Classification: Pathogenic for Hereditary cancer-predisposing syndrome. Last evaluated: 2026-02-10. Review status: criteria provided, single submitter. Criteria: Ambry Variant Classification Scheme 2023. Collection method: clinical testing. Allele origin: germline.
Comment: The c.1692_1693delTG pathogenic mutation, located in coding exon 9 of the BRCA1 gene, results from a deletion of two nucleotides at nucleotide positions 1692 to 1693, causing a translational frameshift with a predicted alternate stop codon (p.N564Kfs*5). This variant is considered to be rare based on population cohorts in the Genome Aggregation Database (gnomAD). This variant is expected to result in loss of function by premature protein truncation or nonsense-mediated mRNA decay. As such, this variant is interpreted as a disease-causing mutation.